The following is an entry in ClinVar:

NM_013275.6(ANKRD11):c.7530C>T (p.Ala2510=)

Gene: ANKRD11 (ankyrin repeat domain 11; minus strand). Cytogenetic location: 16q24.3.
Variant type: single nucleotide variant.
Coding change: c.7530C>T on transcript NM_013275.6 (MANE Select); coding-DNA position 7530, C replaced by T.
Protein change: p.Ala2510=; no amino-acid change (alanine 2510 retained).
Molecular consequence: synonymous variant.
Genome position (GRCh38, 1-based): chr16:89,275,132, G>A on the plus strand (C>T on the coding strand, the complement: ANKRD11 is on the minus strand). VCF-style: chr16-89275132-G-A. GRCh37 (hg19) VCF-style: chr16-89341540-G-A.
Other names: c.7530C>T, p.Ala2510= (NM_001256182.2, NM_001256183.2).
Identifiers: ClinVar variation 703769 (VCV000703769.37), dbSNP rs372665809, ClinGen allele CA8241115.

ClinVar aggregate classification (germline): Likely benign. Review status: criteria provided, multiple submitters, no conflicts (2 of 4 stars). 4 submissions from 4 submitters: Likely benign (4). Last evaluated 2026-01-25.

Conditions:
Inborn genetic diseases. Identifiers: MedGen C0950123, MeSH D030342.
KBG syndrome (KBGS). Also called: ANKRD11-Related KBG Syndrome. Identifiers: Orphanet 2332, MedGen C0220687, MONDO:0007846, OMIM 148050.

Allele frequency attached by ClinVar (database versions not stated): ESP Exome Variant Server 0.00008; gnomAD 0.00011 and 0.00012; 1000 Genomes Project 30x 0.00016; 1000 Genomes Project 0.00020; gnomAD exomes 0.00020 and 0.00025; ExAC 0.00024; TOPMed 0.00025.
gnomAD v4.1: 389 of 1,612,352 alleles (0.024%); highest among the groups gnomAD compares: Admixed American, 0.03%; no homozygotes.

Submissions (4):

Labcorp Genetics (formerly Invitae), Labcorp
Classification: Likely benign for KBG syndrome. Last evaluated: 2026-01-25. Review status: criteria provided, single submitter. Criteria: Invitae Variant Classification Sherloc (09022015). Collection method: clinical testing. Allele origin: germline.

CeGaT Center for Human Genetics Tuebingen
Classification: Likely benign. Last evaluated: 2025-11-01. Review status: criteria provided, single submitter. Criteria: CeGaT Center For Human Genetics Tuebingen Variant Classification Criteria Version 2. Collection method: clinical testing. Allele origin: germline. Affected: yes. Observed: 5 variant alleles.
Comment: ANKRD11: BP4, BP7

Blueprint Genetics
Classification: Likely benign. Last evaluated: 2024-11-27. Review status: criteria provided, single submitter. Criteria: ACMG Guidelines, 2015. Collection method: clinical testing. Allele origin: germline.

Ambry Genetics
Classification: Likely benign for Inborn genetic diseases. Last evaluated: 2018-06-20. Review status: criteria provided, single submitter. Criteria: Ambry Variant Classification Scheme 2023. Collection method: clinical testing. Allele origin: germline.